The following is an entry in ClinVar:

NM_020937.4(FANCM):c.124T>A (p.Leu42Met)

Gene: FANCM (FA complementation group M; plus strand). Cytogenetic location: 14q21.2.
Variant type: single nucleotide variant.
Coding change: c.124T>A on transcript NM_020937.4 (MANE Select); coding-DNA position 124, T replaced by A.
Protein change: p.Leu42Met; replaces leucine 42 with methionine.
Molecular consequence: missense variant.
Genome position (GRCh38, 1-based): chr14:45,136,155, T>A. VCF-style: chr14-45136155-T-A. GRCh37 (hg19) VCF-style: chr14-45605358-T-A.
Other names: c.124T>A, p.Leu42Met (NM_001308133.2, NM_001308134.2); short protein forms L42M.
Identifiers: ClinVar variation 935865 (VCV000935865.9), dbSNP rs947215531, ClinGen allele CA389587052.

ClinVar aggregate classification (germline): Uncertain significance (1 of 4 stars; one submission).

Conditions:
Fanconi anemia (FA). Also called: Fanconi's anemia. Identifiers: Orphanet 84, MedGen C0015625, MeSH D005199, MONDO:0019391.

Submission:

Labcorp Genetics (formerly Invitae), Labcorp
Classification: Uncertain significance for Fanconi anemia. Last evaluated: 2019-09-13. Review status: criteria provided, single submitter. Criteria: Invitae Variant Classification Sherloc (09022015). Collection method: clinical testing. Allele origin: germline.
Comment: This sequence change replaces leucine with methionine at codon 42 of the FANCM protein (p.Leu42Met). The leucine residue is weakly conserved and there is a small physicochemical difference between leucine and methionine. This variant is not present in population databases (ExAC no frequency). This variant has not been reported in the literature in individuals with FANCM-related conditions. Algorithms developed to predict the effect of missense changes on protein structure and function (SIFT, PolyPhen-2, Align-GVGD) all suggest that this variant is likely to be tolerated, but these predictions have not been confirmed by published functional studies and their clinical significance is uncertain. In summary, the available evidence is currently insufficient to determine the role of this variant in disease. Therefore, it has been classified as a Variant of Uncertain Significance.